The following is an entry in ClinVar:

NM_000439.5(PCSK1):c.1168G>A (p.Gly390Ser)

Genes: CAST (calpastatin; plus strand), PCSK1 (proprotein convertase subtilisin/kexin type 1; minus strand), LOC101929710 (uncharacterized LOC101929710; plus strand). Cytogenetic location: 5q15.
Variant type: single nucleotide variant.
Coding change: c.1168G>A on transcript NM_000439.5 (MANE Select); coding-DNA position 1168, G replaced by A.
Protein change: p.Gly390Ser; replaces glycine 390 with serine.
Molecular consequence: missense variant. On other transcripts: intron variant (11).
Genome position (GRCh38, 1-based): chr5:96,408,251, C>T on the plus strand (G>A on the coding strand, the complement: PCSK1 is on the minus strand). VCF-style: chr5-96408251-C-T. GRCh37 (hg19) VCF-style: chr5-95743955-C-T.
Other names: c.1027G>A, p.Gly343Ser (NM_001177875.2); c.-175+28599C>T (NM_001423254.1, NM_001423259.1, NM_001423255.1 and 6 more transcripts); c.-103+28599C>T (NM_001423253.1); c.-40+28599C>T (NM_001423258.1); short protein forms G343S, G390S.
Identifiers: ClinVar variation 3030570 (VCV003030570.4), dbSNP rs567641208, ClinGen allele CA3350282.

ClinVar aggregate classification (germline): Uncertain significance. Review status: criteria provided, single submitter (1 of 4 stars). 2 submissions from 2 submitters: Uncertain significance (1). 1 of the submissions does not count toward it. Last evaluated 2025-05-30.

Conditions:
Obesity due to prohormone convertase I deficiency. Also called: OBESITY AND ENDOCRINOPATHY DUE TO IMPAIRED PROCESSING OF PROHORMONES. Identifiers: Orphanet 71528, MedGen C1833053, MONDO:0010961, OMIM 600955.
PCSK1-related disorder. Also called: PCSK1-related condition.

Allele frequency attached by ClinVar (database versions not stated): gnomAD 0.00005; 1000 Genomes Project 0.00020; ExAC 0.00001; TOPMed 0.00005; gnomAD exomes below 0.00001; 1000 Genomes Project 30x 0.00031.
gnomAD v4.1: 10 of 1,614,038 alleles (0.00062%); highest among the groups gnomAD compares: Admixed American, 0.013%; no homozygotes.

Submissions (2):

Dasa
Classification: Uncertain significance for Obesity due to prohormone convertase I deficiency. Last evaluated: 2025-05-30. Review status: criteria provided, single submitter. Criteria: DASA Assertion Criteria. Collection method: clinical testing. Allele origin: germline.
Comment: NM_000439.5(PCSK1):c.1168G>A (p.Gly390Ser) is a missense variant that results in the substitution of glycine with serine. This variant has been reported in individuals with PCSK1-related disorders (PMID: 36822744). Functional evidence supports an impact on the gene or gene product (PMID: 36822744). Also, this variant is rare in population databases. Computational prediction algorithms are consistent with a deleterious effect. The currently available literature and clinical evidence are not sufficient to establish a definitive association between this variant and the reported condition. Therefore, this variant is classified as a variant of uncertain significance.

PreventionGenetics, part of Exact Sciences
Classification: Likely pathogenic for PCSK1-related condition. Last evaluated: 2024-07-23. Review status: no assertion criteria provided. Collection method: clinical testing. Allele origin: germline. Not counted in ClinVar's aggregate classification.
Comment: The PCSK1 c.1168G>A variant is predicted to result in the amino acid substitution p.Gly390Ser. This variant was observed in a cohort of individuals with obesity, and in vitro functional studies show evidence of loss of function (Folon et al. 2023. PubMed ID: 36822744). This variant is reported in 0.0058% of alleles in individuals of Latino descent in gnomAD. This variant is interpreted as likely pathogenic.

Literature cited by the submitters: PubMed 36822744 (cited by Dasa).